The following is an entry in ClinVar:

ClinVar aggregate classification (germline): Uncertain significance (1 of 4 stars; one submission).

Submission:

Ambry Genetics
Classification: Uncertain significance. Last evaluated: 2025-01-01. Review status: criteria provided, single submitter. Criteria: Ambry Variant Classification Scheme 2023. Collection method: clinical testing. Allele origin: germline.
Comment: The p.A24T variant (also known as c.70G>A), located in coding exon 1 of the WNK2 gene, results from a G to A substitution at nucleotide position 70. The alanine at codon 24 is replaced by threonine, an amino acid with similar properties. This amino acid position is conserved. In addition, this alteration is predicted to be tolerated by in silico analysis. Based on the available evidence, the clinical significance of this variant remains unclear.

NM_006648.4(WNK2):c.70G>A (p.Ala24Thr)

Gene: WNK2 (WNK lysine deficient protein kinase 2; plus strand). Cytogenetic location: 9q22.31.
Variant type: single nucleotide variant.
Coding change: c.70G>A on transcript NM_006648.4 (MANE Select); coding-DNA position 70, G replaced by A.
Protein change: p.Ala24Thr; replaces alanine 24 with threonine.
Molecular consequence: missense variant.
Genome position (GRCh38, 1-based): chr9:93,184,999, G>A. VCF-style: chr9-93184999-G-A. GRCh37 (hg19) VCF-style: chr9-95947281-G-A.
Other names: c.70G>A, p.Ala24Thr (NM_001282394.3); short protein forms A24T.
Identifiers: ClinVar variation 3816691 (VCV003816691.1).